The following is an entry in ClinVar:

ClinVar aggregate classification (germline): Uncertain significance. Review status: criteria provided, multiple submitters, no conflicts (2 of 4 stars). 2 submissions from 2 submitters: Uncertain significance (2). Last evaluated 2024-12-08.

Conditions:
Tuberous sclerosis 2 (TSC2). Identifiers: Orphanet 805, MedGen C1860707, MONDO:0013199, OMIM 613254.
Hereditary cancer-predisposing syndrome. Also called: Hereditary Cancer Syndrome; Hereditary neoplastic syndrome; Neoplastic Syndromes, Hereditary; Tumor predisposition. Identifiers: Orphanet 140162, MedGen C0027672, MeSH D009386, MONDO:0015356.

Submissions (2):

Ambry Genetics
Classification: Uncertain significance for Hereditary cancer-predisposing syndrome. Last evaluated: 2024-12-08. Review status: criteria provided, single submitter. Criteria: Ambry Variant Classification Scheme 2023. Collection method: clinical testing. Allele origin: germline.
Comment: The p.S1798C variant (also known as c.5393C>G), located in coding exon 41 of the TSC2 gene, results from a C to G substitution at nucleotide position 5393. The serine at codon 1798 is replaced by cysteine, an amino acid with dissimilar properties. This amino acid position is conserved. In addition, this alteration is predicted to be deleterious by in silico analysis. Based on the available evidence, the clinical significance of this variant remains unclear.

Labcorp Genetics (formerly Invitae), Labcorp
Classification: Uncertain significance for Tuberous sclerosis 2. Last evaluated: 2024-04-17. Review status: criteria provided, single submitter. Criteria: Invitae Variant Classification Sherloc (09022015). Collection method: clinical testing. Allele origin: germline.
Comment: This sequence change replaces serine, which is neutral and polar, with cysteine, which is neutral and slightly polar, at codon 1798 of the TSC2 protein (p.Ser1798Cys). This variant is not present in population databases (gnomAD no frequency). This variant has not been reported in the literature in individuals affected with TSC2-related conditions. Advanced modeling of protein sequence and biophysical properties (such as structural, functional, and spatial information, amino acid conservation, physicochemical variation, residue mobility, and thermodynamic stability) performed at Invitae indicates that this missense variant is not expected to disrupt TSC2 protein function with a negative predictive value of 95%. In summary, the available evidence is currently insufficient to determine the role of this variant in disease. Therefore, it has been classified as a Variant of Uncertain Significance.

NM_000548.5(TSC2):c.5393C>G (p.Ser1798Cys)

Gene: TSC2 (TSC complex subunit 2; plus strand). Cytogenetic location: 16p13.3.
Variant type: single nucleotide variant.
Coding change: c.5393C>G on transcript NM_000548.5 (MANE Select); coding-DNA position 5393, C replaced by G.
Protein change: p.Ser1798Cys; replaces serine 1798 with cysteine.
Molecular consequence: missense variant. On other transcripts: non-coding transcript variant (5).
Genome position (GRCh38, 1-based): chr16:2,088,579, C>G. VCF-style: chr16-2088579-C-G. GRCh37 (hg19) VCF-style: chr16-2138580-C-G.
Other names: c.5180C>G, p.Ser1727Cys (NM_001406673.1); c.5261C>G, p.Ser1754Cys (NM_001370404.1); c.5252C>G, p.Ser1751Cys (NM_001370405.1); c.5390C>G, p.Ser1797Cys (NM_001406663.1); c.5321C>G, p.Ser1774Cys (NM_001406664.1); c.5315C>G, p.Ser1772Cys (NM_001406665.1); c.5285C>G, p.Ser1762Cys (NM_001406667.1); c.5282C>G, p.Ser1761Cys (NM_001406668.1); and 27 more; short protein forms S1307C, S1327C, S1532C, S1575C, S1726C, S1732C, S1772C, S1197C.
Identifiers: ClinVar variation 3462694 (VCV003462694.3).